The following is an entry in ClinVar:

NM_000179.3(MSH6):c.3172+2T>C

Gene: MSH6 (mutS homolog 6; plus strand). Cytogenetic location: 2p16.3.
Variant type: single nucleotide variant.
Coding change: c.3172+2T>C on transcript NM_000179.3 (MANE Select); the canonical splice donor site of the intron after coding-DNA position 3172, T replaced by C.
Molecular consequence: splice donor variant. On other transcripts: intron variant (2).
Genome position (GRCh38, 1-based): chr2:47,801,157, T>C. VCF-style: chr2-47801157-T-C. GRCh37 (hg19) VCF-style: chr2-48028296-T-C.
Other names: c.3172+2T>C (NM_001406809.1, NM_001406796.1, NM_001406808.1 and 2 more transcripts); c.2266+2T>C (NM_001406811.1, NM_001406814.1, NM_001281493.2 and 6 more transcripts); c.2875+2T>C (NM_001406805.1, NM_001406797.1, NM_001406801.1 and 10 more transcripts); c.3268+2T>C (NM_001406795.1, NM_001406802.1); c.3178+2T>C (NM_001406813.1); c.2647+2T>C (NM_001406807.1, NM_001406799.1, NM_001406806.1); c.2308+866T>C (NM_001406803.1); c.1606+1568T>C (NM_001406817.1); and 4 more.
Identifiers: ClinVar variation 1728443 (VCV001728443.2), dbSNP rs1299958102, ClinGen allele CA346756756.

ClinVar aggregate classification (germline): Uncertain significance (1 of 4 stars; one submission).

Conditions:
Hereditary cancer-predisposing syndrome. Also called: Tumor predisposition; Neoplastic Syndromes, Hereditary; Hereditary Cancer Syndrome; Hereditary neoplastic syndrome. Identifiers: Orphanet 140162, MedGen C0027672, MeSH D009386, MONDO:0015356.

Submission:

Ambry Genetics
Classification: Uncertain significance for Hereditary cancer-predisposing syndrome. Last evaluated: 2021-03-05. Review status: criteria provided, single submitter. Criteria: Ambry Variant Classification Scheme 2023. Collection method: clinical testing. Allele origin: germline.
Comment: The c.3172+2T>C intronic variant results from a T to C substitution two nucleotides after coding exon 4 in the MSH6 gene. This nucleotide position is highly conserved in available vertebrate species. In silico splice site analysis predicts that this alteration will weaken the native splice donor site. Alterations that disrupt the canonical splice site are expected to cause aberrant splicing, resulting in an abnormal protein or a transcript that is subject to nonsense-mediated mRNA decay; however, +2T>C alterations are capable of generating wild-type transcripts in some genomic contexts and should be interpreted with caution (Lin JH et al. Hum Mutat, 2019 10;40:1856-1873). Since supporting evidence is limited at this time, the clinical significance of this alteration remains unclear.

Literature cited by the submitters: PubMed 31131953.